The following continues an entry in ClinVar:

NM_000059.4(BRCA2):c.3860del (p.Asn1287fs)

Gene: BRCA2. ClinVar aggregate classification (germline): Pathogenic. Pathogenic (1).

Submissions 12 to 31 of 31:

MGZ Medical Genetics Center
Classification: Pathogenic for Breast-ovarian cancer, familial, susceptibility to, 2. Last evaluated: 2021-08-06. Review status: criteria provided, single submitter. Criteria: ACMG Guidelines, 2015. Collection method: clinical testing. Allele origin: germline. Affected: yes. Observed: 2 variant alleles. Not counted in ClinVar's aggregate classification.
Comment: ACMG criteria applied: PVS1, PS4, PM2_SUP

CeGaT Center for Human Genetics Tuebingen
Classification: Pathogenic. Last evaluated: 2021-06-01. Review status: criteria provided, single submitter. Criteria: CeGaT Center For Human Genetics Tuebingen Variant Classification Criteria Version 2. Collection method: clinical testing. Allele origin: germline. Affected: yes. Observed: 2 variant alleles. Not counted in ClinVar's aggregate classification.

Institute of Medical Genetics and Applied Genomics, University Hospital Tübingen
Classification: Pathogenic. Last evaluated: 2020-10-23. Review status: criteria provided, single submitter. Criteria: ACMG Guidelines, 2015. Collection method: clinical testing. Allele origin: germline. Inheritance: Autosomal dominant inheritance. Affected: yes. Not counted in ClinVar's aggregate classification.

Women's Health and Genetics/Laboratory Corporation of America, LabCorp
Classification: Pathogenic for Hereditary breast and ovarian cancer syndrome. Last evaluated: 2020-04-17. Review status: criteria provided, single submitter. Criteria: LabCorp Variant Classification Summary - May 2015. Collection method: clinical testing. Allele origin: germline. Not counted in ClinVar's aggregate classification.
Comment: Variant summary: BRCA2 c.3860delA (p.Asn1287IlefsX6) results in a premature termination codon, predicted to cause a truncation of the encoded protein or absence of the protein due to nonsense mediated decay, which are commonly known mechanisms for disease. Truncations downstream of this position have been classified as pathogenic by our laboratory. The variant allele was found at a frequency of 1.5e-05 in 195552 control chromosomes. c.3860delA has been well reported in the literature in multiple individuals affected with Hereditary Breast and Ovarian Cancer (example, Rebbeck_2018, Heramb_2018. Sun_2017, Susswein_2016, and Llott_2002). 11 clinical diagnostic laboratories and one expert panel (ENIGMA) have submitted clinical-significance assessments for this variant to ClinVar after 2014 without evidence for independent evaluation. All laboratories classified the variant as pathogenic. Based on the evidence outlined above, the variant was classified as pathogenic.

Laboratory for Molecular Medicine, Mass General Brigham Personalized Medicine
Classification: Pathogenic for Hereditary breast ovarian cancer syndrome. Last evaluated: 2019-10-14. Review status: criteria provided, single submitter. Criteria: ACMG Guidelines, 2015. Collection method: clinical testing. Allele origin: germline. Not counted in ClinVar's aggregate classification.
Comment: The p.Asn1287IlefsX6 variant in BRCA2 has been reported in at least 6 individuals with BRCA2-related cancers (Llort 2002, Sun 2017, BIC database). It has also been identified in 1/6886 Ashkenazi Jewish chromosomes by gnomAD; however, this frequency is low enough to be consistent with the frequency of hereditary breast and ovarian cancer (HBOC) in the general population. This variant is predicted to cause a frameshift, which alters the protein’s amino acid sequence beginning at position 1287 and leads to a premature termination codon 6 amino acids downstream. This alteration is then predicted to lead to a truncated or absent protein. Loss of function of the BRCA2 gene is an established disease mechanism in autosomal dominant hereditary breast and ovarian cancer syndrome (HBOC). Additionally, this variant was classified as Pathogenic on Sept 8 2016 by the ClinGen-approved ENIGMA expert panel (Variation ID: 51545). In summary, this variant meets criteria to be classified as pathogenic for autosomal dominant HBOC. ACMG/AMP Criteria applied: PVS1, PM2, PS4_Moderate.

Quest Diagnostics Nichols Institute San Juan Capistrano
Classification: Pathogenic. Last evaluated: 2017-05-24. Review status: criteria provided, single submitter. Criteria: Quest Diagnostics criteria. Collection method: clinical testing. Allele origin: germline. Not counted in ClinVar's aggregate classification.

Genologica Medica
Classification: Pathogenic for Breast-ovarian cancer, familial, susceptibility to, 2. Last evaluated: 2017-01-01. Review status: criteria provided, single submitter. Criteria: ACMG Guidelines, 2015. Collection method: clinical testing. Allele origin: germline. Affected: yes. Not counted in ClinVar's aggregate classification.

Consortium of Investigators of Modifiers of BRCA1/2 (CIMBA), c/o University of Cambridge
Classification: Pathogenic for Breast-ovarian cancer, familial, susceptibility to, 2. Last evaluated: 2015-10-02. Review status: criteria provided, single submitter. Criteria: CIMBA Mutation Classification guidelines May 2016. Collection method: clinical testing. Allele origin: germline. Not counted in ClinVar's aggregate classification.

Department of Medical Genetics, Oslo University Hospital
Classification: Pathogenic for Breast-ovarian cancer, familial, susceptibility to, 2. Last evaluated: 2015-07-01. Review status: criteria provided, single submitter. Criteria: ACMG Guidelines, 2015. Collection method: clinical testing. Allele origin: germline. Affected: yes. Observed: 1 variant allele. Not counted in ClinVar's aggregate classification.

Genesis Genomics
Classification: Pathogenic for Breast-ovarian cancer, familial, susceptibility to, 2. Review status: criteria provided, single submitter. Criteria: ACMG Guidelines, 2015. Collection method: clinical testing. Allele origin: germline. Affected: yes. Observed: 1 variant allele. Not counted in ClinVar's aggregate classification.

BRCAlab, Lund University
Classification: Pathogenic for Breast-ovarian cancer, familial, susceptibility to, 2. Last evaluated: 2022-08-26. Review status: no assertion criteria provided. Collection method: clinical testing. Allele origin: germline. Affected: yes. Not counted in ClinVar's aggregate classification.

Molecular Oncology, Hospital Universitario Central de Asturias (HUCA)
Classification: Pathogenic for Breast-ovarian cancer, familial, susceptibility to, 2. Last evaluated: 2021-05-24. Review status: no assertion criteria provided. Collection method: case-control. Allele origin: germline. Affected: yes. Not counted in ClinVar's aggregate classification.

CZECANCA consortium
Classification: Pathogenic for Breast and/or ovarian cancer. Last evaluated: 2019-06-11. Review status: no assertion criteria provided. Collection method: clinical testing. Allele origin: germline. Affected: yes. Observed: 1 variant allele. Not counted in ClinVar's aggregate classification.

Counsyl
Classification: Pathogenic for Breast-ovarian cancer, familial, susceptibility to, 2. Last evaluated: 2017-01-20. Review status: no assertion criteria provided. Collection method: clinical testing. Allele origin: unknown. Not counted in ClinVar's aggregate classification.

Research Molecular Genetics Laboratory, Women's College Hospital, University of Toronto
Classification: Pathogenic for Hereditary breast ovarian cancer syndrome. Last evaluated: 2014-01-31. Review status: no assertion criteria provided. Collection method: research. Allele origin: germline. Affected: yes. Study: The Canadian Open Genetics Repository (COGR). Not counted in ClinVar's aggregate classification.

Sharing Clinical Reports Project (SCRP)
Classification: Pathogenic for Breast-ovarian cancer, familial 2. Last evaluated: 2010-05-25. Review status: no assertion criteria provided. Collection method: clinical testing. Allele origin: germline. Not counted in ClinVar's aggregate classification.

Foulkes Cancer Genetics LDI, Lady Davis Institute for Medical Research
Classification: Pathogenic for Breast and/or ovarian cancer. Last evaluated: 2010-01-19. Review status: no assertion criteria provided. Collection method: clinical testing. Allele origin: germline. Study: The Canadian Open Genetics Repository (COGR). Not counted in ClinVar's aggregate classification.

Breast Cancer Information Core (BIC) (BRCA2)
Classification: Pathogenic for Breast-ovarian cancer, familial 2. Last evaluated: 2004-11-25. Review status: no assertion criteria provided. Collection method: clinical testing. Allele origin: germline. Affected: yes. Observed: 2 variant alleles. Not counted in ClinVar's aggregate classification.

Department of Pathology and Laboratory Medicine, Sinai Health System
Classification: Pathogenic for Malignant tumor of breast. Review status: no assertion criteria provided. Collection method: clinical testing. Allele origin: unknown. Affected: yes. Study: The Canadian Open Genetics Repository (COGR). Not counted in ClinVar's aggregate classification.
Comment: BRCA2, EXON11, c.3860del, p.Asn1287Ilefs*6, Heterozygous, PathogenicrnThe BRCA2 p.Asn1287Ilefs*6 variant was identified in 8 of 830 proband chromosomes (frequency: 0.01) from African-American, Polish, Italian and Austrian individuals or families with breast or ovarian cancer and was not identified in 326 control chromosomes from healthy individuals (Kanaan 2003, Perkowska 2003, Papi 2009, Singer 2014). The variant was also identified in dbSNP (ID: rs80359406) as â€šÃ„ÃºWith Pathogenic alleleâ€šÃ„Ã¹, ClinVar (classified as pathogenic by an ENIGMA expert panel (2016), Ambry Genetics, Invitae, GeneDx, CIMBA and 10 other submitters), LOVD 3.0, and UMD-LSDB (classified as 5-causal). The variant was not identified in the following control databases: the Exome Aggregation Consortium (August 8th 2016) or the Genome Aggregation Database (Feb 27, 2017). The c.3860del variant is predicted to cause a frameshift, which alters the protein's amino acid sequence beginning at codon 1287 and leads to a premature stop codon at position 1292. This alteration is then predicted to result in a truncated or absent protein and loss of function. Loss of function variants of the BRCA2 gene are an established mechanism of disease in hereditary breast and ovarian cancer and is the type of variant expected to cause the disorder. In summary, based on the above information, this variant meets our laboratoryâ€šÃ„Ã´s criteria to be classified as pathogenic. Assessment Date: 2019/07/15. References (PMIDs): 12942367, 18821011, 12673801, 23772696.

Ambry Genetics
Classification: Pathogenic for Hereditary cancer-predisposing syndrome. Last evaluated: 2013-07-15. Review status: flagged submission. Criteria: Ambry Autosomal Dominant and X-Linked criteria (10/2015). Collection method: clinical testing. Allele origin: germline. Observed: 1 variant allele. Not counted in ClinVar's aggregate classification.
Comment: This alteration is expected to result in loss of function by premature protein truncation or nonsense-mediatedâ€¯mRNAâ€¯decay.â€¯As such, this alteration is interpreted as a disease-causing mutation.
ClinVar note: Reason: This record appears to be redundant with a more recent record from the same submitter.
ClinVar note: Notes: SCV000186537 appears to be redundant with SCV000277411.

Literature cited by the submitters: PubMed 20104584 (cited by Labcorp Genetics (formerly Invitae), Labcorp and GeneKor MSA); PubMed 11857748 (cited by 5 submitters); PubMed 12942367 (cited by 4 submitters); PubMed 12955716 (cited by 4 submitters); PubMed 23199084 (cited by Labcorp Genetics (formerly Invitae), Labcorp and Quest Diagnostics Nichols Institute San Juan Capistrano); PubMed 24156927 (cited by 6 submitters); PubMed 27393621 (cited by 3 submitters); PubMed 12673801 (cited by 3 submitters); PubMed 18821011 (cited by 3 submitters); PubMed 29446198 (cited by 3 submitters); PubMed 32438681 (cited by GeneKor MSA and Color Diagnostics, LLC DBA Color Health); PubMed 33471991 (cited by GeneKor MSA and Color Diagnostics, LLC DBA Color Health); PubMed 34645131 (cited by GeneKor MSA and Color Diagnostics, LLC DBA Color Health); PubMed 28724667 (cited by 3 submitters); PubMed 31528241 (cited by Mayo Clinic Laboratories, Mayo Clinic); PubMed 31742824 (cited by Mayo Clinic Laboratories, Mayo Clinic); PubMed 26681312 (cited by Women's Health and Genetics/Laboratory Corporation of America, LabCorp and Laboratory for Molecular Medicine, Mass General Brigham Personalized Medicine); PubMed 29339979 (cited by Women's Health and Genetics/Laboratory Corporation of America, LabCorp); PubMed 38922859 (cited by Molecular Oncology, Hospital Universitario Central de Asturias (HUCA)); PubMed 32295079 (cited by CZECANCA consortium).